The following is an entry in ClinVar:

NM_002878.4(RAD51D):c.878C>T (p.Ala293Val)

Genes: RAD51D (RAD51 paralog D; minus strand), RAD51L3-RFFL (RAD51L3-RFFL readthrough; minus strand). Cytogenetic location: 17q12.
Variant type: single nucleotide variant.
Coding change: c.878C>T on transcript NM_002878.4 (MANE Select); coding-DNA position 878, C replaced by T.
Protein change: p.Ala293Val; replaces alanine 293 with valine.
Molecular consequence: missense variant. On other transcripts: non-coding transcript variant (3).
Genome position (GRCh38, 1-based): chr17:35,101,226, G>A on the plus strand (C>T on the coding strand, the complement: RAD51D is on the minus strand). VCF-style: chr17-35101226-G-A. GRCh37 (hg19) VCF-style: chr17-33428245-G-A.
Other names: c.938C>T, p.Ala313Val (NM_001142571.2); c.542C>T, p.Ala181Val (NM_133629.3); short protein forms A293V, A181V, A313V.
Identifiers: ClinVar variation 187161 (VCV000187161.36), dbSNP rs769732230, ClinGen allele CA196891.

ClinVar aggregate classification (germline): Conflicting classifications of pathogenicity. Review status: criteria provided, conflicting classifications (1 of 4 stars). 14 submissions from 14 submitters: Uncertain significance (9); Likely benign (3). 2 of the submissions do not count toward it. Last evaluated 2026-05-26.

Conditions:
RAD51D-related disorder. Also called: RAD51D-related condition.
Hereditary cancer-predisposing syndrome. Also called: Tumor predisposition; Neoplastic Syndromes, Hereditary; Hereditary neoplastic syndrome; Hereditary Cancer Syndrome. Identifiers: Orphanet 140162, MedGen C0027672, MeSH D009386, MONDO:0015356.
Hereditary breast ovarian cancer syndrome. Also called: Hereditary breast and ovarian cancer syndrome; Hereditary breast and ovarian cancer syndrome (HBOC); Hereditary breast and ovarian cancer; Breast and ovarian cancer; BRCA1- and BRCA2-Associated Hereditary Breast and Ovarian Cancer; Hereditary breast and/or ovarian cancer syndrome. Identifiers: Orphanet 145, MedGen C0677776, MeSH D061325, MONDO:0003582. Disease mechanism: loss of function.
Breast-ovarian cancer, familial, susceptibility to, 4. Identifiers: Orphanet 145, MedGen C3280345, MONDO:0013669, OMIM 614291.

Allele frequency attached by ClinVar (database versions not stated): gnomAD 0.00003; gnomAD exomes 0.00003; TOPMed 0.00005; ExAC 0.00002.
gnomAD v4.1: 49 of 1,614,014 alleles (0.003%); highest among the groups gnomAD compares: East Asian, 0.0067%; no homozygotes.

Submissions 1 to 11 of 14:

Institute for Biomarker Research, Medical Diagnostic Laboratories, L.L.C.
Classification: Uncertain significance for Hereditary breast ovarian cancer syndrome. Last evaluated: 2026-05-26. Review status: criteria provided, single submitter. Criteria: ACMG Guidelines, 2015. Collection method: clinical testing. Allele origin: germline.
Comment: The missense variant NM_002878.3(RAD51D):c.878C>T (p.Ala293Val) is not currently classified as pathogenic in clinical sources (Accession: VCV000187161.34). The p.Ala293Val variant is novel (not in any individuals) in 1kG All. There is a small physicochemical difference between alanine and valine, which is not likely to impact secondary protein structure as these residues share similar properties. The p.Ala293Val variant is predicted to introduce a novel donor splice site at this position by 3 of 4 splice site algorithms, but is not expected to disrupt the reading frame. For these reasons, this variant has been classified as Uncertain Significance.

Women's Health and Genetics/Laboratory Corporation of America, LabCorp
Classification: Uncertain significance. Last evaluated: 2025-12-29. Review status: criteria provided, single submitter. Criteria: LabCorp Variant Classification Summary - May 2015. Collection method: clinical testing. Allele origin: germline.
Comment: Variant summary: RAD51D c.878C>T (p.Ala293Val) results in a non-conservative amino acid change located in the DNA repair protein RAD51 homolog 4, C-terminal domain (IPR047323) of the encoded protein sequence. Algorithms developed to predict the effect of missense changes on protein structure and function are either unavailable or do not agree on the potential impact of this missense change. The variant allele was found at a frequency of 2.7e-05 in 363862 control chromosomes (gnomAD, Song_2015, Dorling_2021). This frequency is not significantly higher than estimated for disease-causing variants in RAD51D, allowing no conclusion about variant significance. c.878C>T has been observed in individual(s) affected with breast cancer or gastric cancer, as well as unaffected controls (e.g. Hu_2020, Dorling_2021, Lim_2023). These reports do not provide unequivocal conclusions about association of the variant with Hereditary Breast And Ovarian Cancer Syndrome. To our knowledge, no experimental evidence demonstrating an impact on protein function has been reported. The following publications have been ascertained in the context of this evaluation (PMID: 34326862, 33471991, 32863928, 36315097, 26261251). ClinVar contains an entry for this variant (Variation ID: 187161). Based on the evidence outlined above, the variant was classified as uncertain significance.

Labcorp Genetics (formerly Invitae), Labcorp
Classification: Uncertain significance for Breast-ovarian cancer, familial, susceptibility to, 4. Last evaluated: 2025-12-19. Review status: criteria provided, single submitter. Criteria: Invitae Variant Classification Sherloc (09022015). Collection method: clinical testing. Allele origin: germline.
Comment: This sequence change replaces alanine, which is neutral and non-polar, with valine, which is neutral and non-polar, at codon 293 of the RAD51D protein (p.Ala293Val). This variant is present in population databases (rs769732230, gnomAD 0.01%). This missense change has been observed in individual(s) with breast cancer (PMID: 32885271, 34326862). ClinVar contains an entry for this variant (Variation ID: 187161). Invitae Evidence Modeling of protein sequence and biophysical properties (such as structural, functional, and spatial information, amino acid conservation, physicochemical variation, residue mobility, and thermodynamic stability) indicates that this missense variant is not expected to disrupt RAD51D protein function with a negative predictive value of 80%. RNA analysis performed to evaluate the impact of this missense change on mRNA splicing indicates it does not significantly alter splicing (internal data). In summary, the available evidence is currently insufficient to determine the role of this variant in disease. Therefore, it has been classified as a Variant of Uncertain Significance.

Myriad Genetics, Inc.
Classification: Likely benign for Breast-ovarian cancer, familial, susceptibility to, 4. Last evaluated: 2024-12-13. Review status: criteria provided, single submitter. Criteria: Myriad Autosomal Dominant, Autosomal Recessive and X-Linked Classification Criteria (2023). Collection method: clinical testing. Allele origin: unknown.
Comment: This variant is considered likely benign. This variant is strongly associated with less severe personal and family histories of cancer, typical for individuals without pathogenic variants in this gene [PMID: 25085752].

Blueprint Genetics
Classification: Uncertain significance. Last evaluated: 2024-11-20. Review status: criteria provided, single submitter. Criteria: ACMG Guidelines, 2015. Collection method: clinical testing. Allele origin: germline.

Quest Diagnostics Nichols Institute San Juan Capistrano
Classification: Uncertain significance. Last evaluated: 2024-10-24. Review status: criteria provided, single submitter. Criteria: Quest Diagnostics criteria. Collection method: clinical testing. Allele origin: unknown.
Comment: The RAD51D c.878C>T (p.Ala293Val) variant has been reported in individuals with gastric cancer (PMID: 32863928 (2020)) and breast cancer (PMID: 34326862 (2021), 32885271 (2021), 33471991 (2021), see also LOVD). This variant has also been identified in reportedly healthy unaffected individuals (PMID: 26261251 (2015), 33471991 (2021), see also LOVD). The frequency of this variant in the general population, 0.000023 (3/129114 chromosomes (Genome Aggregation Database)), is uninformative in the assessment of its pathogenicity. Analysis of this variant using bioinformatics tools for the prediction of the effect of amino acid changes on protein structure and function yielded predictions that this variant is benign. Based on the available information, we are unable to determine the clinical significance of this variant.

Color Diagnostics, LLC DBA Color Health
Classification: Likely benign for Hereditary cancer-predisposing syndrome. Last evaluated: 2024-09-19. Review status: criteria provided, single submitter. Criteria: ACMG Guidelines, 2015. Collection method: clinical testing. Allele origin: germline.

Fulgent Genetics
Classification: Uncertain significance for Breast-ovarian cancer, familial, susceptibility to, 4. Last evaluated: 2024-06-22. Review status: criteria provided, single submitter. Criteria: ACMG Guidelines, 2015. Collection method: clinical testing. Allele origin: germline.

GeneDx
Classification: Uncertain significance. Last evaluated: 2024-01-03. Review status: criteria provided, single submitter. Criteria: GeneDx Variant Classification Process June 2021. Collection method: clinical testing. Allele origin: germline. Affected: yes.
Comment: In silico analysis supports that this missense variant does not alter protein structure/function; Observed in an individual with a personal and family history of breast cancer who also carried variants in the PALB2 and FANCC genes (PMID: 34326862); Observed in healthy controls but absent from ovarian cancer cases, and present in both cases and controls in a breast cancer study (PMID: 26261251, 33471991); This variant is associated with the following publications: (PMID: 32863928, 33471991, 21111057, 14704354, 19327148, 26261251, 34326862)

Sema4
Classification: Uncertain significance for Hereditary cancer-predisposing syndrome. Last evaluated: 2022-02-21. Review status: criteria provided, single submitter. Criteria: Sema4 Curation Guidelines. Collection method: curation. Allele origin: germline.
Comment: The RAD51D c.878C>T (p.A293V) variant has been reported in individuals with gastric cancer and breast cancer, however, it was also seen in controls (PMID: 32863928, 33471991, 26261251). It was observed in 8/282788 chromosomes in the large and broad cohorts of the Genome Aggregation Database (PMID: 32461654). This variant has been reported in ClinVar (Variation ID 187161). Functional studies have not been performed and in silico predictions of the variant's effect on protein function are inconclusive. There is no indication that this variant causes disease, but the evidence is insufficient currently to prove that conclusively. Thus, the clinical significance of this variant is currently uncertain.

Ambry Genetics
Classification: Likely benign for Hereditary cancer-predisposing syndrome. Last evaluated: 2018-08-23. Review status: criteria provided, single submitter. Criteria: Ambry Variant Classification Scheme 2023. Collection method: clinical testing. Allele origin: germline.